The following is an entry in ClinVar:

NM_024426.6(WT1):c.653G>A (p.Arg218His)

Genes: WT1 (WT1 transcription factor; minus strand), LOC107982234 (WT1/WT1-AS bi-directional promoter region; plus strand). Cytogenetic location: 11p13.
Variant type: single nucleotide variant.
Coding change: c.653G>A on transcript NM_024426.6 (MANE Select); coding-DNA position 653, G replaced by A.
Protein change: p.Arg218His; replaces arginine 218 with histidine.
Molecular consequence: missense variant. On other transcripts: non-coding transcript variant (1).
Genome position (GRCh38, 1-based): chr11:32,434,708, C>T on the plus strand (G>A on the coding strand, the complement: WT1 is on the minus strand). VCF-style: chr11-32434708-C-T. GRCh37 (hg19) VCF-style: chr11-32456254-C-T.
Other names: c.653G>A, p.Arg218His (NM_000378.6, NM_024424.5); short protein forms R218H.
Identifiers: ClinVar variation 961780 (VCV000961780.9), dbSNP rs756414084, ClinGen allele CA065170.

ClinVar aggregate classification (germline): Uncertain significance. Review status: criteria provided, multiple submitters, no conflicts (2 of 4 stars). 4 submissions from 4 submitters: Uncertain significance (4). Last evaluated 2024-12-11.

Conditions:
Nephrotic syndrome, type 4 (NPHS4). Also called: Familial mesangial sclerosis; Nephrotic syndrome, early onset with diffuse mesangial sclerosis. Identifiers: Orphanet 656, MedGen C3151568, MONDO:0009733, OMIM 256370.
Wilms tumor 1 (WT1). Also called: Wilms tumor, somatic. Identifiers: Orphanet 654, MedGen CN033288, MONDO:0008679, OMIM 194070.
11p partial monosomy syndrome (WAGR). Also called: WAGR Spectrum Disorder; CHROMOSOME 11p13 DELETION SYNDROME; WAGR syndrome; WAGR Complex. Identifiers: Orphanet 893, MedGen C0206115, MONDO:0008681, OMIM 194072.
Drash syndrome (DDS). Also called: WILMS TUMOR AND PSEUDO- OR TRUE HERMAPHRODITISM; NEPHROPATHY, WILMS TUMOR, AND GENITAL ANOMALIES. Identifiers: Orphanet 220, MedGen C0950121, MONDO:0008682, OMIM 194080.
Frasier syndrome. Identifiers: Orphanet 347, MedGen C0950122, MeSH D052159, MONDO:0007635, OMIM 136680.
Meacham syndrome. Also called: Meacham Winn Culler syndrome. Identifiers: Orphanet 3097, MedGen C1837026, MONDO:0012164, OMIM 608978.
Mesothelioma, malignant (MESOM). Also called: Malignant mesothelioma (disease). Identifiers: Orphanet 50251, MedGen C0345967, MONDO:0006292, OMIM 156240, HP:0100001.
Aniridia 1 (AN1). Identifiers: Orphanet 250923, MedGen C0344542, MONDO:0024507, OMIM 106210.
Inborn genetic diseases. Identifiers: MedGen C0950123, MeSH D030342.

Allele frequency attached by ClinVar (database versions not stated): ExAC below 0.00001; TOPMed below 0.00001.
gnomAD v4.1: 2 of 1,612,986 alleles (0.00012%); highest among the groups gnomAD compares: Middle Eastern, 0.017%; no homozygotes.

Submissions (4):

Ambry Genetics
Classification: Uncertain significance for Inborn genetic diseases. Last evaluated: 2024-12-11. Review status: criteria provided, single submitter. Criteria: Ambry Variant Classification Scheme 2023. Collection method: clinical testing. Allele origin: germline.
Comment: The p.R213H variant (also known as c.638G>A), located in coding exon 1 of the WT1 gene, results from a G to A substitution at nucleotide position 638. The arginine at codon 213 is replaced by histidine, an amino acid with highly similar properties. This amino acid position is highly conserved in available vertebrate species. In addition, this alteration is predicted to be deleterious by in silico analysis. Based on the available evidence, the clinical significance of this variant remains unclear.

Labcorp Genetics (formerly Invitae), Labcorp
Classification: Uncertain significance for Wilms tumor 1; Drash syndrome; 11p partial monosomy syndrome; Frasier syndrome. Last evaluated: 2023-08-23. Review status: criteria provided, single submitter. Criteria: Invitae Variant Classification Sherloc (09022015). Collection method: clinical testing. Allele origin: germline.
Comment: In summary, the available evidence is currently insufficient to determine the role of this variant in disease. Therefore, it has been classified as a Variant of Uncertain Significance. Advanced modeling of protein sequence and biophysical properties (such as structural, functional, and spatial information, amino acid conservation, physicochemical variation, residue mobility, and thermodynamic stability) has been performed at Invitae for this missense variant, however the output from this modeling did not meet the statistical confidence thresholds required to predict the impact of this variant on WT1 protein function. ClinVar contains an entry for this variant (Variation ID: 961780). This variant has not been reported in the literature in individuals affected with WT1-related conditions. This variant is not present in population databases (gnomAD no frequency). This sequence change replaces arginine, which is basic and polar, with histidine, which is basic and polar, at codon 213 of the WT1 protein (p.Arg213His).

All of Us Research Program, National Institutes of Health
Classification: Uncertain significance for Wilms tumor 1. Last evaluated: 2023-08-15. Review status: criteria provided, single submitter. Criteria: ACMG Guidelines, 2015. Collection method: clinical testing. Allele origin: germline. Inheritance: Autosomal dominant inheritance. Observed: 2 variant alleles, 2 heterozygotes.
Comment: This missense variant replaces arginine with histidine at codon 213 in the WT1 protein. Computational prediction suggests that this variant may have deleterious impact on protein structure and function (internally defined REVEL score threshold >= 0.7, PMID: 27666373). To our knowledge, functional studies have not been reported for this variant. This variant has not been reported in individuals affected with WT1-related disorders in the literature. This variant has not been identified in the general population by the Genome Aggregation Database (gnomAD). The available evidence is insufficient to determine the role of this variant in disease conclusively. Therefore, this variant is classified as a Variant of Uncertain Significance.

This study involves interpretation of variants in research participants for the purpose of population health screening. Participant phenotype was not available at the time of variant classification. Additional details can be found in publication PMID: 35346344, PMCID: PMC8962531

Fulgent Genetics
Classification: Uncertain significance for Aniridia 1; Frasier syndrome; Mesothelioma, malignant; Wilms tumor 1; 11p partial monosomy syndrome; Drash syndrome; Nephrotic syndrome, type 4; Meacham syndrome. Last evaluated: 2021-08-08. Review status: criteria provided, single submitter. Criteria: ACMG Guidelines, 2015. Collection method: clinical testing. Allele origin: unknown.